The following is an entry in ClinVar:

ClinVar aggregate classification (germline): Benign. Review status: criteria provided, multiple submitters, no conflicts (2 of 4 stars). 6 submissions from 6 submitters: Benign (6). Last evaluated 2026-02-04.

Conditions:
Mitochondrial short-chain Enoyl-Coa hydratase 1 deficiency. Also called: PxMD-ECHS1; Mitochondrial Short-Chain Enoyl-CoA Hydratase Deficiency; ECHS1 deficiency. Identifiers: Orphanet 255241, Orphanet 653880, MedGen C4225391, MONDO:0014563, OMIM 616277.

Allele frequency attached by ClinVar (database versions not stated): ESP Exome Variant Server 0.80134; 1000 Genomes Project 30x 0.80871; TOPMed 0.80903; gnomAD 0.81846 and 0.82705; 1000 Genomes Project 0.82129; ExAC 0.91308; gnomAD exomes 0.91888 and 0.93520.
gnomAD v4.1: 1,490,016 of 1,612,138 alleles (92%); highest among the groups gnomAD compares: East Asian, 98%; 695,367 homozygotes.

Submissions (6):

Labcorp Genetics (formerly Invitae), Labcorp
Classification: Benign. Last evaluated: 2026-02-04. Review status: criteria provided, single submitter. Criteria: Invitae Variant Classification Sherloc (09022015). Collection method: clinical testing. Allele origin: germline.

Blueprint Genetics
Classification: Benign. Last evaluated: 2024-11-27. Review status: criteria provided, single submitter. Criteria: ACMG Guidelines, 2015. Collection method: clinical testing. Allele origin: germline.

Mayo Clinic Laboratories, Mayo Clinic
Classification: Benign. Last evaluated: 2022-07-11. Review status: criteria provided, single submitter. Criteria: ACMG Guidelines, 2015. Collection method: clinical testing. Allele origin: germline. Observed: 87 variant alleles.

Genome-Nilou Lab
Classification: Benign for Mitochondrial short-chain Enoyl-Coa hydratase 1 deficiency. Last evaluated: 2021-07-30. Review status: criteria provided, single submitter. Criteria: ACMG Guidelines, 2015. Collection method: clinical testing. Allele origin: germline. Affected: no.

GeneDx
Classification: Benign. Last evaluated: 2015-12-02. Review status: criteria provided, single submitter. Criteria: GeneDx Variant Classification (06012015). Collection method: clinical testing. Allele origin: germline. Affected: yes.
Comment: This variant is considered likely benign or benign based on one or more of the following criteria: it is a conservative change, it occurs at a poorly conserved position in the protein, it is predicted to be benign by multiple in silico algorithms, and/or has population frequency not consistent with disease.

Breakthrough Genomics
Classification: Benign. Review status: criteria provided, single submitter. Criteria: ACMG Guidelines, 2015. Collection method: not provided. Allele origin: germline. Inheritance: Autosomal recessive inheritance. Affected: yes.

NM_004092.4(ECHS1):c.224C>T (p.Thr75Ile)

Gene: ECHS1 (enoyl-CoA hydratase, short chain 1; minus strand). Cytogenetic location: 10q26.3.
Variant type: single nucleotide variant.
Coding change: c.224C>T on transcript NM_004092.4 (MANE Select); coding-DNA position 224, C replaced by T.
Protein change: p.Thr75Ile; replaces threonine 75 with isoleucine.
Molecular consequence: missense variant.
Genome position (GRCh38, 1-based): chr10:133,370,622, G>A on the plus strand (C>T on the coding strand, the complement: ECHS1 is on the minus strand). VCF-style: chr10-133370622-G-A. GRCh37 (hg19) VCF-style: chr10-135184126-G-A.
Other names: p.Thr75Ile; short protein forms T75I.
Identifiers: ClinVar variation 379965 (VCV000379965.15), dbSNP rs1049951, ClinGen allele CA5765850.